The following is an entry in ClinVar:

ClinVar aggregate classification (germline): Likely benign (0 of 4 stars; one submission).

Conditions:
NCOA1-related disorder. Also called: NCOA1-related condition.

Submission:

PreventionGenetics, part of Exact Sciences
Classification: Likely benign for NCOA1-related condition. Last evaluated: 2024-05-29. Review status: no assertion criteria provided. Collection method: clinical testing. Allele origin: germline.
Comment: This variant is classified as likely benign based on ACMG/AMP sequence variant interpretation guidelines (Richards et al. 2015 PMID: 25741868, with internal and published modifications).

NM_003743.5(NCOA1):c.477A>C (p.Ile159=)

Gene: NCOA1 (nuclear receptor coactivator 1; plus strand). Cytogenetic location: 2p23.3.
Variant type: single nucleotide variant.
Coding change: c.477A>C on transcript NM_003743.5 (MANE Select); coding-DNA position 477, A replaced by C.
Protein change: p.Ile159=; no amino-acid change (isoleucine 159 retained).
Molecular consequence: synonymous variant.
Genome position (GRCh38, 1-based): chr2:24,683,073, A>C. VCF-style: chr2-24683073-A-C. GRCh37 (hg19) VCF-style: chr2-24905942-A-C.
Other names: c.477A>C, p.Ile159= (NM_001362950.1, NM_001362952.1, NM_001362954.1 and 3 more transcripts).
Identifiers: ClinVar variation 3350404 (VCV003350404.1).